The following is an entry in ClinVar:

NM_000053.4(ATP7B):c.525dup (p.Val176fs)

Gene: ATP7B (ATPase copper transporting beta; minus strand). Cytogenetic location: 13q14.3.
Variant type: Duplication.
Coding change: c.525dup on transcript NM_000053.4 (MANE Select); coding-DNA position 525, one base duplicated (A; older notation c.525dupA).
Protein change: p.Val176fs; shifts the reading frame from valine 176.
Molecular consequence: frameshift variant.
Genome position (GRCh38, 1-based): chr13:51,974,695, T duplicated on the plus strand (A on the coding strand, the reverse complement: ATP7B is on the minus strand); the first of 3 consecutive T bases (chr13:51,974,695-51,974,697); duplicating any one gives the same sequence. VCF-style (leftmost placement, unchanged base first): chr13-51974694-C-CT. GRCh37 (hg19) VCF-style: chr13-52548830-C-CT.
Other names: p.Val176Serfs*28; c.525dupA (NM_000053.3, NM_000053.4); c.525dup, p.Val176fs (NM_001005918.3, NM_001243182.2, NM_001330578.2 and 1 more transcripts); short protein forms V176fs.
Identifiers: ClinVar variation 370306 (VCV000370306.37), dbSNP rs558037268, ClinGen allele CA6989546.

ClinVar aggregate classification (germline): Pathogenic. Review status: criteria provided, multiple submitters, no conflicts (2 of 4 stars). 13 submissions from 13 submitters: Pathogenic (12). 1 of the submissions does not count toward it. Last evaluated 2026-01-07.

Conditions:
Wilson disease (WND). Also called: Wilson's disease. Identifiers: Orphanet 905, MedGen C0019202, MONDO:0010200, OMIM 277900. Disease mechanism: loss of function.

Submissions (13):

Natera, Inc.
Classification: Pathogenic for Wilson disease. Last evaluated: 2026-01-07. Review status: criteria provided, single submitter. Criteria: Natera Variant Classification Schema (03/2026). Collection method: clinical testing. Allele origin: germline.
Comment: The c.525dupA variant in ATP7B is a frameshift variant predicted to shift the reading frame beginning at codon 176 and leads to a stop codon 28 codons downstream. This variant is expected to result in nonsense mediated decay, truncation, or a dysfunctional protein product. This variant is rare in the general population with a frequency below the threshold expected for the associated phenotype(s). This variant has been observed in one or more individuals affected with the associated recessive disease, as either homozygous or compound heterozygous with a second variant (PMID: 27022412, 21796144). Given the available evidence, this variant is classified as Pathogenic.

Labcorp Genetics (formerly Invitae), Labcorp
Classification: Pathogenic for Wilson disease. Last evaluated: 2024-10-05. Review status: criteria provided, single submitter. Criteria: Invitae Variant Classification Sherloc (09022015). Collection method: clinical testing. Allele origin: germline.
Comment: This sequence change creates a premature translational stop signal (p.Val176Serfs*28) in the ATP7B gene. It is expected to result in an absent or disrupted protein product. Loss-of-function variants in ATP7B are known to be pathogenic (PMID: 10441329, 16283883). This variant is present in population databases (rs758115611, gnomAD 0.03%). This premature translational stop signal has been observed in individuals with Wilson disease (PMID: 21034864, 26483271, 27022412, 29321352). This variant is also known as c.525_526insA. ClinVar contains an entry for this variant (Variation ID: 370306). For these reasons, this variant has been classified as Pathogenic.

3billion
Classification: Pathogenic for Wilson disease. Last evaluated: 2024-09-27. Review status: criteria provided, single submitter. Criteria: ACMG Guidelines, 2015. Collection method: clinical testing. Allele origin: germline. Affected: yes.
Comment: The variant is observed at an extremely low frequency in the gnomAD v4.1.0 dataset (total allele frequency: <0.001%). Predicted Consequence/Location: Frameshift: predicted to result in a loss or disruption of normal protein function through nonsense-mediated decay (NMD) or protein truncation. Multiple pathogenic variants are reported downstream of the variant. The variant has been reported at least twice as pathogenic with clinical assertions and evidence for the classification (ClinVar ID: VCV000370306 /PMID: 9829905). Therefore, this variant is classified as Pathogenic according to the recommendation of ACMG/AMP guideline.

Genetic Services Laboratory, University of Chicago
Classification: Pathogenic. Last evaluated: 2024-09-25. Review status: criteria provided, single submitter. Criteria: ACMG Guidelines, 2015. Collection method: clinical testing. Allele origin: germline. Affected: yes.
Comment: DNA sequence analysis of the ATP7B gene demonstrated a single base pair duplication in exon 2, c.525dup. This sequence change results in an amino acid frameshift and creates a premature stop codon 27 amino acids downstream of the change, p.Val176Serfs*28. This sequence change is predicted to result in an abnormal transcript, which may be degraded, or may lead to the production of a truncated ATP7B protein with potentially abnormal function. This sequence change has been described in the gnomAD database with a frequency of 0.007% in the East Asian subpopulation (dbSNP rs758115611). This pathogenic sequence change has previously been described in the compound heterozygous state with a second pathogenic variant in an individual with Wilson disease (PMID: 32291276). These collective evidences indicate that this sequence change is pathogenic, however functional studies have not been performed to prove this conclusively.

Mayo Clinic Laboratories, Mayo Clinic
Classification: Pathogenic. Last evaluated: 2024-04-01. Review status: criteria provided, single submitter. Criteria: ACMG Guidelines, 2015. Collection method: clinical testing. Allele origin: germline.
Comment: PM2_moderate, PVS1

All of Us Research Program, National Institutes of Health
Classification: Pathogenic for Wilson disease. Last evaluated: 2024-03-05. Review status: criteria provided, single submitter. Criteria: ACMG Guidelines, 2015. Collection method: clinical testing. Allele origin: germline. Inheritance: Autosomal recessive inheritance. Observed: 3 variant alleles, 3 heterozygotes.
Comment: This variant is predicted to result in loss of protein function through nonsense-mediated decay or protein truncation. Loss of function is an established mechanism of disease. This variant was detected in multiple affected individuals as homozygous or with a second pathogenic variant, which is consistent with autosomal recessive inheritance (PMID: 21034864, 26483271, 27022412, 32291276, 35470480, 35222532, 29356957). It is rare in large population databases, including the Genome Aggregation Database.

This study involves interpretation of variants in research participants for the purpose of population health screening. Participant phenotype was not available at the time of variant classification. Additional details can be found in publication PMID: 35346344, PMCID: PMC8962531

Chongqing Key Laboratory of Child Rare Diseases in Infection and Immunity, Children’s Hospital of Chongqing Medical University
Classification: Pathogenic for Wilson disease. Last evaluated: 2024-01-01. Review status: criteria provided, single submitter. Criteria: ACMG Guidelines, 2015. Collection method: clinical testing. Allele origin: germline. Inheritance: Autosomal recessive inheritance. Affected: yes.
Comment: Classified as Pathogenic according to the ACMG/AMP 2015 guidelines (PMID:25741868). The classification was based on the available submitted evidence for Wilson disease (OMIM:277900), including clinical-testing observations, variant consequence/protein annotation, and published or ClinVar evidence where available. Supporting information considered: variant annotation: p.Val176SerfsTer28; Frameshift; Protein domain: N-ter (MBD1-6); submitted notation: NM_000053.4:c.525dup (p.Val176SerfsTer28); source variant type: Frameshift; source domain: N-ter (MBD1-6); allele count n=230: 2.

ARUP Laboratories, Molecular Genetics and Genomics, ARUP Laboratories
Classification: Pathogenic for Wilson disease. Last evaluated: 2023-08-09. Review status: criteria provided, single submitter. Criteria: ARUP Molecular Germline Variant Investigation Process 2024. Collection method: clinical testing. Allele origin: germline.
Comment: The ATP7B c.525dup; p.Val176SerfsTer28 variant (rs558037268) is reported in the literature in multiple individuals affected with Wilson disease (Dong 2016, Panichareon 2011, Tsai 2011, Xiao 2021). This variant is also reported in ClinVar (Variation ID: 370306) and is found in the East Asian population with an overall allele frequency of 0.022% (4/17972 alleles) in the Genome Aggregation Database. This variant causes a frameshift by inserting a single nucleotide, so it is predicted to result in a truncated protein or mRNA subject to nonsense-mediated decay. Based on available information, this variant is considered to be pathogenic. References: Dong Y et al. Spectrum and Classification of ATP7B Variants in a Large Cohort of Chinese Patients with Wilson's Disease Guides Genetic Diagnosis. Theranostics. 2016 Mar 3;6(5):638-49. PMID: 27022412. Panichareon B et al. Six novel ATP7B mutations in Thai patients with Wilson disease. Eur J Med Genet. 2011 Mar-Apr;54(2):103-7. PMID: 21034864. Tsai CH et al. Mutation analysis of Wilson disease in Taiwan and description of six new mutations. Hum Mutat. 1998;12(6):370-6. PMID: 9829905. Xiao Z et al. Molecular analysis of 53 Chinese families with Wilson's disease: Six novel mutations identified. Mol Genet Genomic Med. 2021 Sep;9(9):e1735. PMID: 34324271.

Genome-Nilou Lab
Classification: Pathogenic for Wilson disease. Last evaluated: 2021-08-10. Review status: criteria provided, single submitter. Criteria: ACMG Guidelines, 2015. Collection method: clinical testing. Allele origin: germline. Affected: no.

Women's Health and Genetics/Laboratory Corporation of America, LabCorp
Classification: Pathogenic for Wilson disease. Last evaluated: 2016-10-06. Review status: criteria provided, single submitter. Criteria: LabCorp Variant Classification Summary - May 2015. Collection method: clinical testing. Allele origin: germline.
Comment: Variant summary: The ATP7B c.525dupA (p.Val176Serfs) variant results in a premature termination codon, predicted to cause a truncated or absent ATP7B protein due to nonsense mediated decay, which are commonly known mechanisms for disease. One in silico tool predicts a damaging outcome for this variant. This variant was found in 3/120674 control chromosomes at a frequency of 0.0000249, which does not exceed the estimated maximal expected allele frequency of a pathogenic ATP7B variant (0.0054006). The variant has been reported in the literature in numerous affected individuals, mainly of Chinese ancestry. Taken together, this variant is classified as pathogenic.

Department of Traditional Chinese Medicine, Fujian Provincial Hospital
Classification: Pathogenic for Wilson disease. Review status: criteria provided, single submitter. Criteria: ACMG Guidelines, 2015. Collection method: research. Allele origin: inherited.
Comment: According to the ACMG guidelines, this mutation conforms to: PVS1 (Null variant in a gene where loss of function is a known mechanism of disease.); PM2_Supporting (Absent from controls in Exome Sequencing Project, 1000 Genomes or ExAC); PM3_VeryStrong (For recessive disorders, detected in trans with a pathogenic variant.); PP4 (Patient’s phenotype or family history is highly specific for a disease with a single genetic etiology.). Therefore, this mutation point is considered to be pathogenic.

Juno Genomics, Hangzhou Juno Genomics, Inc
Classification: Pathogenic for Wilson disease. Review status: criteria provided, single submitter. Criteria: ACMG Guidelines, 2015. Collection method: clinical testing. Allele origin: germline.
Comment: Absent from controls (or at extremely low frequency if recessive) in Genome Aggregation Database.;Null variant in a gene where loss of function (LOF) is a known mechanism of disease.;For recessive disorders, detected in trans with a pathogenic variant.

Counsyl
Classification: Pathogenic for Wilson disease. Last evaluated: 2016-09-09. Review status: no assertion criteria provided. Collection method: clinical testing. Allele origin: unknown. Not counted in ClinVar's aggregate classification.

Literature cited by the submitters: PubMed 27022412 (cited by 4 submitters); PubMed 21796144 (cited by Natera, Inc. and Counsyl); PubMed 10441329 (cited by Labcorp Genetics (formerly Invitae), Labcorp); PubMed 16283883 (cited by Labcorp Genetics (formerly Invitae), Labcorp); PubMed 21034864 (cited by 3 submitters); PubMed 26483271 (cited by 3 submitters); PubMed 29321352 (cited by Labcorp Genetics (formerly Invitae), Labcorp); PubMed 9829905 (cited by 3 submitters); PubMed 29356957 (cited by All of Us Research Program, National Institutes of Health and Department of Traditional Chinese Medicine, Fujian Provincial Hospital); PubMed 32291276 (cited by All of Us Research Program, National Institutes of Health); PubMed 35222532 (cited by All of Us Research Program, National Institutes of Health and Department of Traditional Chinese Medicine, Fujian Provincial Hospital); PubMed 35470480 (cited by All of Us Research Program, National Institutes of Health and Department of Traditional Chinese Medicine, Fujian Provincial Hospital); PubMed 18034201 (cited by Women's Health and Genetics/Laboratory Corporation of America, LabCorp and Counsyl); PubMed 25089800 (cited by Women's Health and Genetics/Laboratory Corporation of America, LabCorp and Counsyl); PubMed 11405812 (cited by Counsyl).